The following is an entry in ClinVar:

NM_002890.3(RASA1):c.2084A>T (p.His695Leu)

Genes: CCNH (cyclin H; minus strand), RASA1 (RAS p21 protein activator 1; plus strand). Cytogenetic location: 5q14.3.
Variant type: single nucleotide variant.
Coding change: c.2084A>T on transcript NM_002890.3 (MANE Select); coding-DNA position 2084, A replaced by T.
Protein change: p.His695Leu; replaces histidine 695 with leucine.
Molecular consequence: missense variant. On other transcripts: intron variant (1).
Genome position (GRCh38, 1-based): chr5:87,376,465, A>T. VCF-style: chr5-87376465-A-T. GRCh37 (hg19) VCF-style: chr5-86672282-A-T.
Other names: c.1553A>T, p.His518Leu (NM_022650.3); c.933+18579T>A (NM_001364075.2); short protein forms H695L, H518L.
Identifiers: ClinVar variation 2027593 (VCV002027593.4), dbSNP rs1035107314, ClinGen allele CA121812723.
Genomic context (GRCh38, chr5:87,376,465, plus strand): 5'-GCCAGTTGAGCCGATTACAGAAAGGGCATGCCACAGATGAATGGTTTCTGCTCAGCTCCC[A>T]TATACCATTAAAAGGTATTGAACCAGGGTCCCTGCGTGTTCGAGCACGATACTCTATGGA-3'
Protein context (NP_002881.1, residues 685-705): ATDEWFLLSS[His695Leu]IPLKGIEPGS

ClinVar aggregate classification (germline): Uncertain significance (1 of 4 stars; one submission).

Conditions:
Capillary malformation-arteriovenous malformation syndrome. Also called: Capillary malformation-arteriovenous malformation. Identifiers: Orphanet 137667, MedGen C1842180, MONDO:0012016.

Allele frequency attached by ClinVar (database versions not stated): TOPMed 0.00001.
gnomAD v4.1: 62 of 1,614,048 alleles (0.0038%); highest among the groups gnomAD compares: Non-Finnish European, 0.0051%; no homozygotes.

Submission:

Labcorp Genetics (formerly Invitae), Labcorp
Classification: Uncertain significance for Capillary malformation-arteriovenous malformation syndrome. Last evaluated: 2025-12-01. Review status: criteria provided, single submitter. Criteria: Invitae Variant Classification Sherloc (09022015). Collection method: clinical testing. Allele origin: germline.
Comment: This sequence change replaces histidine, which is basic and polar, with leucine, which is neutral and non-polar, at codon 695 of the RASA1 protein (p.His695Leu). This variant is not present in population databases (gnomAD no frequency). This missense change has been observed in individual(s) with clinical features of RASA1-related conditions (PMID: 22200646, 24139535). ClinVar contains an entry for this variant (Variation ID: 2027593). An algorithm developed to predict the effect of missense changes on protein structure and function (PolyPhen-2) suggests that this variant is likely to be tolerated. In summary, the available evidence is currently insufficient to determine the role of this variant in disease. Therefore, it has been classified as a Variant of Uncertain Significance.

Literature cited by the submitters: PubMed 22200646; PubMed 24139535.